The following is an entry in ClinVar:

NM_153816.6(SNX14):c.498G>A (p.Leu166=)

Gene: SNX14 (sorting nexin 14; minus strand). Cytogenetic location: 6q14.3.
Variant type: single nucleotide variant.
Coding change: c.498G>A on transcript NM_153816.6 (MANE Select); coding-DNA position 498, G replaced by A.
Protein change: p.Leu166=; no amino-acid change (leucine 166 retained).
Molecular consequence: synonymous variant. On other transcripts: 5 prime UTR variant (6), non-coding transcript variant (5), intron variant (6).
Genome position (GRCh38, 1-based): chr6:85,565,383, C>T on the plus strand (G>A on the coding strand, the complement: SNX14 is on the minus strand). VCF-style: chr6-85565383-C-T. GRCh37 (hg19) VCF-style: chr6-86275101-C-T.
Other names: c.498G>A, p.Leu166= (NM_001297614.3, NM_001350538.2, NM_001350540.2 and 1 more transcripts); c.342G>A, p.Leu114= (NM_001304479.2, NM_001350544.2); c.561G>A, p.Leu187= (NM_001350532.2); c.495G>A, p.Leu165= (NM_001350533.2, NM_001350534.2, NM_001350535.2); c.339G>A, p.Leu113= (NM_001350539.2); c.54G>A, p.Leu18= (NM_001350545.2, NM_001350546.2); c.-468G>A (NM_001350547.2); c.-654G>A (NM_001350549.2, NM_001350550.2, NM_001350553.2); and 7 more.
Identifiers: ClinVar variation 3898532 (VCV003898532.7).
Genomic context (GRCh38, chr6:85,565,383, plus strand): 5'-AATATATACCTTGTGAATCCTTCTTATTAAGACAGATGCAAAAAAACGTAATGTTATTCT[C>T]AGTTCATCAACAAAGGATTCATCATCTGTCACATCCCTTCAATAAGGAGAAAAACAAATA-3'
Protein context (NP_722523.1, residues 156-176): VTDDESFVDE[Leu166=]RITLRFFASV

ClinVar aggregate classification (germline): Uncertain significance (1 of 4 stars; one submission).

Submission:

CeGaT Center for Human Genetics Tuebingen
Classification: Uncertain significance. Last evaluated: 2025-04-01. Review status: criteria provided, single submitter. Criteria: CeGaT Center For Human Genetics Tuebingen Variant Classification Criteria Version 2. Collection method: clinical testing. Allele origin: germline. Affected: yes. Observed: 1 variant allele.
Comment: SNX14: PM2:Supporting, BP4